The following is an entry in ClinVar:

NM_002085.5(GPX4):c.402C>T (p.Cys134=)

Gene: GPX4 (glutathione peroxidase 4; plus strand). Cytogenetic location: 19p13.3.
Variant type: single nucleotide variant.
Coding change: c.402C>T on transcript NM_002085.5 (MANE Select); coding-DNA position 402, C replaced by T.
Protein change: p.Cys134=; no amino-acid change (cysteine 134 retained).
Molecular consequence: synonymous variant.
Genome position (GRCh38, 1-based): chr19:1,105,735, C>T. VCF-style: chr19-1105735-C-T. GRCh37 (hg19) VCF-style: chr19-1105734-C-T.
Other names: c.402C>T, p.Cys134= (NM_001039847.3); c.513C>T, p.Cys171= (NM_001039848.4); c.321C>T, p.Cys107= (NM_001367832.1); c.513C>T (NM_001039848.3).
Identifiers: ClinVar variation 741624 (VCV000741624.10), dbSNP rs769250904, ClinGen allele CA9037346.

ClinVar aggregate classification (germline): Benign. Review status: criteria provided, multiple submitters, no conflicts (2 of 4 stars). 3 submissions from 3 submitters: Benign (2). 1 of the submissions does not count toward it. Last evaluated 2026-01-26.

Conditions:
GPX4-related disorder. Also called: GPX4-related condition.

Allele frequency attached by ClinVar (database versions not stated): gnomAD 0.00007; TOPMed 0.00007; ExAC 0.00048.
gnomAD v4.1: 120 of 1,604,770 alleles (0.0075%); highest among the groups gnomAD compares: Admixed American, 0.2%; no homozygotes.

Submissions (3):

Labcorp Genetics (formerly Invitae), Labcorp
Classification: Benign. Last evaluated: 2026-01-26. Review status: criteria provided, single submitter. Criteria: Invitae Variant Classification Sherloc (09022015). Collection method: clinical testing. Allele origin: germline.

Breakthrough Genomics
Classification: Benign. Review status: criteria provided, single submitter. Criteria: ACMG Guidelines, 2015. Collection method: not provided. Allele origin: germline. Inheritance: Autosomal recessive inheritance. Affected: yes.

PreventionGenetics, part of Exact Sciences
Classification: Likely benign for GPX4-related condition. Last evaluated: 2019-07-15. Review status: no assertion criteria provided. Collection method: clinical testing. Allele origin: germline. Not counted in ClinVar's aggregate classification.
Comment: This variant is classified as likely benign based on ACMG/AMP sequence variant interpretation guidelines (Richards et al. 2015 PMID: 25741868, with internal and published modifications).